The following is an entry in ClinVar:

NM_152641.4(ARID2):c.4976G>A (p.Gly1659Glu)

Gene: ARID2 (AT-rich interaction domain 2; plus strand). Cytogenetic location: 12q12.
Variant type: single nucleotide variant.
Coding change: c.4976G>A on transcript NM_152641.4 (MANE Select); coding-DNA position 4976, G replaced by A.
Protein change: p.Gly1659Glu; replaces glycine 1659 with glutamic acid.
Molecular consequence: missense variant.
Genome position (GRCh38, 1-based): chr12:45,891,833, G>A. VCF-style: chr12-45891833-G-A. GRCh37 (hg19) VCF-style: chr12-46285616-G-A.
Other names: c.4976G>A, p.Gly1659Glu (NM_001347839.2); short protein forms G1659E.
Identifiers: ClinVar variation 2637707 (VCV002637707.1), dbSNP rs2138232180, ClinGen allele CA384497857.

ClinVar aggregate classification (germline): Uncertain significance (1 of 4 stars; one submission).

Submission:

Women's Health and Genetics/Laboratory Corporation of America, LabCorp
Classification: Uncertain significance. Last evaluated: 2023-10-12. Review status: criteria provided, single submitter. Criteria: LabCorp Variant Classification Summary - May 2015. Collection method: clinical testing. Allele origin: germline.
Comment: Variant summary: ARID2 c.4976G>A (p.Gly1659Glu) results in a non-conservative amino acid change in the encoded protein sequence. Three of five in-silico tools predict a damaging effect of the variant on protein function. The variant was absent in 251338 control chromosomes. The available data on variant occurrences in the general population are insufficient to allow any conclusion about variant significance. To our knowledge, no occurrence of c.4976G>A in individuals affected with Coffin-Siris Syndrome 6 and no experimental evidence demonstrating its impact on protein function have been reported. No submitters have cited clinical-significance assessments for this variant to ClinVar after 2014. Based on the evidence outlined above, the variant was classified as uncertain significance.